The following is an entry in ClinVar:

NM_000551.4(VHL):c.619_620delinsAA (p.Ala207Lys)

Genes: VHL (von Hippel-Lindau tumor suppressor; plus strand), LOC107303340 (3p25 von Hippel-Lindau tumor suppressor, E3 ubiquitin protein ligase Alu-mediated recombination region; plus strand). Cytogenetic location: 3p25.3.
Variant type: Indel.
Coding change: c.619_620delinsAA on transcript NM_000551.4 (MANE Select); coding-DNA positions 619 to 620, GC replaced by AA.
Protein change: p.Ala207Lys; replaces alanine 207 with lysine.
Molecular consequence: missense variant. On other transcripts: 3 prime UTR variant (1).
Genome position (GRCh38, 1-based): chr3:10,149,942-10,149,943, GC replaced by AA. VCF-style: chr3-10149942-GC-AA. GRCh37 (hg19) VCF-style: chr3-10191626-GC-AA.
Other names: c.*173_*174delinsAA (NM_001354723.2); c.496_497delinsAA, p.Ala166Lys (NM_198156.3); short protein forms A166K, A207K.
Identifiers: ClinVar variation 1392853 (VCV001392853.6), dbSNP rs2125130853, ClinGen allele CA2573136195.

ClinVar aggregate classification (germline): Uncertain significance (1 of 4 stars; one submission).

Conditions:
Chuvash polycythemia. Also called: POLYCYTHEMIA, VHL-DEPENDENT. Identifiers: Orphanet 238557, MedGen C1837915, MONDO:0009892, OMIM 263400.
Von Hippel-Lindau syndrome (VHLS). Also called: VHL syndrome; von Hippel–Lindau syndrome; Von Hippel-Lindau. Identifiers: Orphanet 892, MedGen C0019562, MONDO:0008667, OMIM 193300. Disease mechanism: loss of function.

Submission:

Labcorp Genetics (formerly Invitae), Labcorp
Classification: Uncertain significance for Von Hippel-Lindau syndrome; Chuvash polycythemia. Last evaluated: 2025-04-29. Review status: criteria provided, single submitter. Criteria: Invitae Variant Classification Sherloc (09022015). Collection method: clinical testing. Allele origin: germline.
Comment: This sequence change replaces alanine, which is neutral and non-polar, with lysine, which is basic and polar, at codon 207 of the VHL protein (p.Ala207Lys). Information on the frequency of this variant in the gnomAD database is not available, as this variant may be reported differently in the database. This variant has not been reported in the literature in individuals affected with VHL-related conditions. ClinVar contains an entry for this variant (Variation ID: 1392853). An algorithm developed to predict the effect of missense changes on protein structure and function (PolyPhen-2) suggests that this variant is likely to be tolerated. In summary, the available evidence is currently insufficient to determine the role of this variant in disease. Therefore, it has been classified as a Variant of Uncertain Significance.